The following is an entry in ClinVar:

NM_024675.4(PALB2):c.2097T>C (p.Ser699=)

Gene: PALB2 (partner and localizer of BRCA2; minus strand). Cytogenetic location: 16p12.2.
Variant type: single nucleotide variant.
Coding change: c.2097T>C on transcript NM_024675.4 (MANE Select); coding-DNA position 2097, T replaced by C.
Protein change: p.Ser699=; no amino-acid change (serine 699 retained).
Molecular consequence: synonymous variant.
Genome position (GRCh38, 1-based): chr16:23,630,057, A>G on the plus strand (T>C on the coding strand, the complement: PALB2 is on the minus strand). VCF-style: chr16-23630057-A-G. GRCh37 (hg19) VCF-style: chr16-23641378-A-G.
Identifiers: ClinVar variation 820708 (VCV000820708.5), dbSNP rs1597090151, ClinGen allele CA494461202.

ClinVar aggregate classification (germline): Benign/Likely benign. Review status: criteria provided, multiple submitters, no conflicts (2 of 4 stars). 2 submissions from 2 submitters: Benign (1); Likely benign (1). Last evaluated 2025-01-15.

Conditions:
Hereditary cancer-predisposing syndrome. Also called: Neoplastic Syndromes, Hereditary; Tumor predisposition; Hereditary Cancer Syndrome; Hereditary neoplastic syndrome. Identifiers: Orphanet 140162, MedGen C0027672, MeSH D009386, MONDO:0015356.
Familial cancer of breast. Also called: BREAST CANCER, FAMILIAL; Hereditary breast cancer; hereditary breast carcinoma. Identifiers: Orphanet 227535, MedGen C0346153, MONDO:0016419, OMIM 114480. Disease mechanism: loss of function.

Submissions (2):

Myriad Genetics, Inc.
Classification: Benign for Familial cancer of breast. Last evaluated: 2025-01-15. Review status: criteria provided, single submitter. Criteria: Myriad Autosomal Dominant, Autosomal Recessive and X-Linked Classification Criteria (2023). Collection method: clinical testing. Allele origin: unknown.
Comment: This variant is considered benign. This variant is a silent/synonymous amino acid change and it is not expected to impact splicing.

Ambry Genetics
Classification: Likely benign for Hereditary cancer-predisposing syndrome. Last evaluated: 2018-02-01. Review status: criteria provided, single submitter. Criteria: Ambry Variant Classification Scheme 2023. Collection method: clinical testing. Allele origin: germline.